The following is an entry in ClinVar:

ClinVar aggregate classification (germline): Uncertain significance (1 of 4 stars; one submission).

gnomAD v4.1: 3 of 1,614,194 alleles (0.00019%); highest among the groups gnomAD compares: Non-Finnish European, 0.00025%; no homozygotes.

Submission:

GeneDx
Classification: Uncertain significance. Last evaluated: 2025-07-09. Review status: criteria provided, single submitter. Criteria: GeneDx Variant Classification Process June 2021. Collection method: clinical testing. Allele origin: germline. Affected: yes.
Comment: Not observed at significant frequency in large population cohorts (gnomAD); In silico analysis supports a deleterious effect on splicing; Has not been previously published as pathogenic or benign to our knowledge

NM_012309.5(SHANK2):c.5547A>G (p.Arg1849=)

Gene: SHANK2 (SH3 and multiple ankyrin repeat domains 2; minus strand). Cytogenetic location: 11q13.3.
Variant type: single nucleotide variant.
Coding change: c.5547A>G on transcript NM_012309.5 (MANE Select); coding-DNA position 5547, A replaced by G.
Protein change: p.Arg1849=; no amino-acid change (arginine 1849 retained).
Molecular consequence: synonymous variant. On other transcripts: 3 prime UTR variant (1), non-coding transcript variant (1).
Genome position (GRCh38, 1-based): chr11:70,472,872, T>C on the plus strand (A>G on the coding strand, the complement: SHANK2 is on the minus strand). VCF-style: chr11-70472872-T-C. GRCh37 (hg19) VCF-style: chr11-70318977-T-C.
Other names: c.4410A>G, p.Arg1470= (NM_001379226.1); c.5667A>G, p.Arg1889= (NM_001441024.1); c.5496A>G, p.Arg1832= (NM_001441025.1, NM_001441026.1, NM_001441027.1 and 7 more transcripts); c.5469A>G, p.Arg1823= (NM_001441035.1, NM_001441036.1, NM_001441037.1); c.5424A>G, p.Arg1808= (NM_001441038.1); c.*603A>G (NM_001441039.1); c.4380A>G, p.Arg1460= (NM_001441040.1); c.4332A>G, p.Arg1444= (NM_001441041.1); and 7 more.
Identifiers: ClinVar variation 4685234 (VCV004685234.1).